The following is an entry in ClinVar:

NM_002335.4(LRP5):c.1132A>G (p.Ile378Val)

Gene: LRP5 (LDL receptor related protein 5; plus strand). Cytogenetic location: 11q13.2.
Variant type: single nucleotide variant.
Coding change: c.1132A>G on transcript NM_002335.4 (MANE Select); coding-DNA position 1132, A replaced by G.
Protein change: p.Ile378Val; replaces isoleucine 378 with valine.
Molecular consequence: missense variant. On other transcripts: 5 prime UTR variant (1).
Genome position (GRCh38, 1-based): chr11:68,386,432, A>G. VCF-style: chr11-68386432-A-G. GRCh37 (hg19) VCF-style: chr11-68153900-A-G.
Other names: c.1132A>G (NM_002335.2); c.-634A>G (NM_001291902.2); short protein forms I378V.
Identifiers: ClinVar variation 852712 (VCV000852712.13), dbSNP rs369747444, ClinGen allele CA6149257.

ClinVar aggregate classification (germline): Uncertain significance. Review status: criteria provided, multiple submitters, no conflicts (2 of 4 stars). 5 submissions from 5 submitters: Uncertain significance (5). Last evaluated 2026-04-28.

Conditions:
Inborn genetic diseases. Identifiers: MedGen C0950123, MeSH D030342.
Polycystic liver disease 4 with or without kidney cysts. Identifiers: MedGen C4693479, MONDO:0044327, OMIM 617875.
Osteoporosis with pseudoglioma (OPPG). Also called: osteoporosis-pseudoglioma syndrome. Identifiers: Orphanet 2788, MedGen C0432252, MONDO:0009820, OMIM 259770.
Exudative vitreoretinopathy 4 (EVR4). Identifiers: Orphanet 891, MedGen C1866176, MONDO:0011151, OMIM 601813.
Autosomal dominant osteopetrosis 1 (OPTA1). Also called: OSTEOPETROSIS, AUTOSOMAL DOMINANT, TYPE I. Identifiers: Orphanet 2783, MedGen C1843330, MONDO:0011877, OMIM 607634.
Worth disease. Also called: ENDOSTEAL HYPEROSTOSIS, AUTOSOMAL DOMINANT; OSTEOSCLEROSIS, AUTOSOMAL DOMINANT; Autosomal dominant osteosclerosis, Worth type. Identifiers: Orphanet 2790, MedGen C0432273, MONDO:0007764, OMIM 144750.
Bone mineral density quantitative trait locus 1 (BMND1). Identifiers: MedGen C1866079, OMIM 601884.
LRP5-related disorder. Also called: LRP5-related condition.

Allele frequency attached by ClinVar (database versions not stated): ExAC 0.00002; gnomAD exomes 0.00002; gnomAD 0.00007 and 0.00008; ESP Exome Variant Server 0.00015; TOPMed 0.00020.
gnomAD v4.1: 40 of 1,613,974 alleles (0.0025%); highest among the groups gnomAD compares: Admixed American, 0.018%; no homozygotes.

Submissions (5):

PreventionGenetics, part of Exact Sciences
Classification: Uncertain significance for LRP5-related condition. Last evaluated: 2026-04-28. Review status: criteria provided, single submitter. Criteria: ACMG Guidelines, 2015. Collection method: clinical testing. Allele origin: germline.
Comment: The LRP5 c.1132A>G variant is predicted to result in the amino acid substitution p.Ile378Val. To our knowledge, this variant has not been reported in the literature. This variant is present in 0.0056% of alleles in individuals of Latino descent in gnomAD. At this time, the clinical significance of this variant is uncertain due to the absence of conclusive functional and genetic evidence.

Labcorp Genetics (formerly Invitae), Labcorp
Classification: Uncertain significance. Last evaluated: 2025-12-24. Review status: criteria provided, single submitter. Criteria: Invitae Variant Classification Sherloc (09022015). Collection method: clinical testing. Allele origin: germline.
Comment: This sequence change replaces isoleucine, which is neutral and non-polar, with valine, which is neutral and non-polar, at codon 378 of the LRP5 protein (p.Ile378Val). This variant is present in population databases (rs369747444, gnomAD 0.01%). This variant has not been reported in the literature in individuals affected with LRP5-related conditions. ClinVar contains an entry for this variant (Variation ID: 852712). Invitae Evidence Modeling of protein sequence and biophysical properties (such as structural, functional, and spatial information, amino acid conservation, physicochemical variation, residue mobility, and thermodynamic stability) indicates that this missense variant is not expected to disrupt LRP5 protein function with a negative predictive value of 95%. In summary, the available evidence is currently insufficient to determine the role of this variant in disease. Therefore, it has been classified as a Variant of Uncertain Significance.

Blueprint Genetics
Classification: Uncertain significance. Last evaluated: 2024-02-08. Review status: criteria provided, single submitter. Criteria: ACMG Guidelines, 2015. Collection method: clinical testing. Allele origin: germline.

Fulgent Genetics
Classification: Uncertain significance for Worth disease; Osteoporosis with pseudoglioma; Exudative vitreoretinopathy 4; Bone mineral density quantitative trait locus 1; Autosomal dominant osteopetrosis 1; Polycystic liver disease 4 with or without kidney cysts. Last evaluated: 2024-02-07. Review status: criteria provided, single submitter. Criteria: ACMG Guidelines, 2015. Collection method: clinical testing. Allele origin: germline.

Ambry Genetics
Classification: Uncertain significance for Inborn genetic diseases. Last evaluated: 2022-07-14. Review status: criteria provided, single submitter. Criteria: Ambry Variant Classification Scheme 2023. Collection method: clinical testing. Allele origin: germline.